The following is an entry in ClinVar:

NM_030665.4(RAI1):c.3069C>T (p.Asp1023=)

Gene: RAI1 (retinoic acid induced 1; plus strand). Cytogenetic location: 17p11.2.
Variant type: single nucleotide variant.
Coding change: c.3069C>T on transcript NM_030665.4 (MANE Select); coding-DNA position 3069, C replaced by T.
Protein change: p.Asp1023=; no amino-acid change (aspartic acid 1023 retained).
Molecular consequence: synonymous variant.
Genome position (GRCh38, 1-based): chr17:17,796,017, C>T. VCF-style: chr17-17796017-C-T. GRCh37 (hg19) VCF-style: chr17-17699331-C-T.
Identifiers: ClinVar variation 4999550 (VCV004999550.1).

ClinVar aggregate classification (germline): Likely benign (1 of 4 stars; one submission).

Conditions:
RAI1-related disorder. Also called: RAI1-related condition.

gnomAD v4.1: 8 of 1,593,198 alleles (0.0005%); highest among the groups gnomAD compares: Non-Finnish European, 0.0006%; no homozygotes.

Submission:

PreventionGenetics, part of Exact Sciences
Classification: Likely benign for RAI1-related condition. Last evaluated: 2025-03-06. Review status: criteria provided, single submitter. Criteria: ACMG Guidelines, 2015. Collection method: clinical testing. Allele origin: germline.
Comment: This variant is classified as likely benign based on ACMG/AMP sequence variant interpretation guidelines (Richards et al. 2015 PMID: 25741868, with internal and published modifications).